The following is an entry in ClinVar:

ClinVar aggregate classification (germline): Likely pathogenic. Review status: criteria provided, multiple submitters, no conflicts (2 of 4 stars). 2 submissions from 2 submitters: Likely pathogenic (2). Last evaluated 2025-09-19.

Conditions:
PCYT1A-related disorders.
Spondylometaphyseal dysplasia-cone-rod dystrophy syndrome. Identifiers: Orphanet 85167, MedGen C1837073, MONDO:0012160, OMIM 608940.
Lipodystrophy, congenital generalized, type 5 (CGL5). Identifiers: MedGen C5882745, MONDO:0958023, OMIM 620680.

Submissions (2):

First Genomix Gene Laboratory, Genetic Diagnostics Department
Classification: Likely pathogenic for Lipodystrophy, congenital generalized, type 5; Spondylometaphyseal dysplasia-cone-rod dystrophy syndrome. Last evaluated: 2025-09-19. Review status: criteria provided, single submitter. Criteria: ACMG Guidelines, 2015. Collection method: clinical testing. Allele origin: germline. Inheritance: Autosomal recessive inheritance. Affected: no. Observed: 1 variant allele.

Blueprint Genetics
Classification: Likely pathogenic for PCYT1A-related disorders. Last evaluated: 2020-03-09. Review status: criteria provided, single submitter. Criteria: ACMG Guidelines, 2015. Collection method: clinical testing. Allele origin: germline. Affected: yes. Observed: 1 variant allele.

NM_001312673.2(PCYT1A):c.-10-2A>T

Gene: PCYT1A (phosphate cytidylyltransferase 1A, choline; minus strand). Cytogenetic location: 3q29.
Variant type: single nucleotide variant.
Coding change: c.-10-2A>T on transcript NM_001312673.2 (MANE Select); the canonical splice acceptor site of the intron before 10 bases upstream of the start codon, A replaced by T.
Molecular consequence: splice acceptor variant.
Genome position (GRCh38, 1-based): chr3:196,270,543, T>A on the plus strand (A>T on the coding strand, the complement: PCYT1A is on the minus strand). VCF-style: chr3-196270543-T-A. GRCh37 (hg19) VCF-style: chr3-195997414-T-A.
Other names: c.-10-2A>T (NM_005017.4).
Identifiers: ClinVar variation 4850367 (VCV004850367.2).